The following is an entry in ClinVar:

NM_014845.6(FIG4):c.1435-8C>T

Gene: FIG4 (FIG4 phosphoinositide 5-phosphatase; plus strand). Cytogenetic location: 6q21.
Variant type: single nucleotide variant.
Coding change: c.1435-8C>T on transcript NM_014845.6 (MANE Select); 8 bases into the intron before coding-DNA position 1435, C replaced by T.
Molecular consequence: intron variant.
Genome position (GRCh38, 1-based): chr6:109,765,005, C>T. VCF-style: chr6-109765005-C-T. GRCh37 (hg19) VCF-style: chr6-110086208-C-T.
Identifiers: ClinVar variation 543442 (VCV000543442.13), dbSNP rs754607430, ClinGen allele CA3956096.

ClinVar aggregate classification (germline): Likely benign. Review status: criteria provided, single submitter (1 of 4 stars). 2 submissions from 2 submitters: Likely benign (1). 1 of the submissions does not count toward it. Last evaluated 2025-01-08.

Conditions:
FIG4-related disorder. Also called: FIG4-related disorders; FIG4-related condition.
Charcot-Marie-Tooth disease type 4. Also called: Charcot-Marie-Tooth disease, type IV; Charcot-Marie-Tooth, Type 4. Identifiers: Orphanet 64749, MedGen C4082197, MONDO:0018995.

Allele frequency attached by ClinVar (database versions not stated): gnomAD exomes 0.00001; ExAC 0.00002; TOPMed 0.00002; gnomAD 0.00005.
gnomAD v4.1: 18 of 1,612,174 alleles (0.0011%); highest among the groups gnomAD compares: African/African-American, 0.0053%; no homozygotes.

Submissions (2):

Labcorp Genetics (formerly Invitae), Labcorp
Classification: Likely benign for Charcot-Marie-Tooth disease type 4. Last evaluated: 2025-01-08. Review status: criteria provided, single submitter. Criteria: Invitae Variant Classification Sherloc (09022015). Collection method: clinical testing. Allele origin: germline.

PreventionGenetics, part of Exact Sciences
Classification: Likely benign for FIG4-related condition. Last evaluated: 2023-04-20. Review status: no assertion criteria provided. Collection method: clinical testing. Allele origin: germline. Not counted in ClinVar's aggregate classification.
Comment: This variant is classified as likely benign based on ACMG/AMP sequence variant interpretation guidelines (Richards et al. 2015 PMID: 25741868, with internal and published modifications).